The following is an entry in ClinVar:

NM_030624.3(KLHL15):c.254T>C (p.Val85Ala)

Gene: KLHL15 (kelch like family member 15; minus strand). Cytogenetic location: Xp22.11.
Variant type: single nucleotide variant.
Coding change: c.254T>C on transcript NM_030624.3 (MANE Select); coding-DNA position 254, T replaced by C.
Protein change: p.Val85Ala; replaces valine 85 with alanine.
Molecular consequence: missense variant.
Genome position (GRCh38, 1-based): chrX:24,006,440, A>G on the plus strand (T>C on the coding strand, the complement: KLHL15 is on the minus strand). VCF-style: chrX-24006440-A-G. GRCh37 (hg19) VCF-style: chrX-24024557-A-G.
Other names: short protein forms V85A.
Identifiers: ClinVar variation 4076546 (VCV004076546.1).

ClinVar aggregate classification (germline): Uncertain significance (1 of 4 stars; one submission).

Submission:

GeneDx
Classification: Uncertain significance. Last evaluated: 2025-02-25. Review status: criteria provided, single submitter. Criteria: GeneDx Variant Classification Process June 2021. Collection method: clinical testing. Allele origin: germline. Affected: yes.
Comment: Not observed at significant frequency in large population cohorts (gnomAD); In silico analysis supports that this missense variant has a deleterious effect on protein structure/function; Has not been previously published as pathogenic or benign to our knowledge